The following is an entry in ClinVar:

ClinVar aggregate classification (germline): Uncertain significance (1 of 4 stars; one submission).

Submission:

Labcorp Genetics (formerly Invitae), Labcorp
Classification: Uncertain significance. Last evaluated: 2024-05-20. Review status: criteria provided, single submitter. Criteria: Invitae Variant Classification Sherloc (09022015). Collection method: clinical testing. Allele origin: germline.
Comment: This sequence change affects codon 710 of the FOCAD mRNA. It is a 'silent' change, meaning that it does not change the encoded amino acid sequence of the FOCAD protein. The frequency data for this variant in the population databases is considered unreliable, as metrics indicate poor data quality at this position in the gnomAD database. This variant has not been reported in the literature in individuals affected with FOCAD-related conditions. Experimental studies and prediction algorithms are not available or were not evaluated, and the functional significance of this variant is currently unknown. In summary, the available evidence is currently insufficient to determine the role of this variant in disease. Therefore, it has been classified as a Variant of Uncertain Significance.

NM_001375567.1(FOCAD):c.2130A>G (p.Ala710=)

Gene: FOCAD (focadhesin; plus strand). Cytogenetic location: 9p21.3.
Variant type: single nucleotide variant.
Coding change: c.2130A>G on transcript NM_001375567.1 (MANE Select); coding-DNA position 2130, A replaced by G.
Protein change: p.Ala710=; no amino-acid change (alanine 710 retained).
Molecular consequence: synonymous variant.
Genome position (GRCh38, 1-based): chr9:20,866,952, A>G. VCF-style: chr9-20866952-A-G. GRCh37 (hg19) VCF-style: chr9-20866951-A-G.
Other names: c.2025A>G, p.Ala675= (NM_001375568.1, NM_001375570.1); c.2130A>G, p.Ala710= (NM_017794.5).
Identifiers: ClinVar variation 3632422 (VCV003632422.2).